The following is an entry in ClinVar:

NM_002471.4(MYH6):c.5407G>C (p.Glu1803Gln)

Gene: MYH6 (myosin heavy chain 6; minus strand). Cytogenetic location: 14q11.2.
Variant type: single nucleotide variant.
Coding change: c.5407G>C on transcript NM_002471.4 (MANE Select); coding-DNA position 5407, G replaced by C.
Protein change: p.Glu1803Gln; replaces glutamic acid 1803 with glutamine.
Molecular consequence: missense variant.
Genome position (GRCh38, 1-based): chr14:23,384,600, C>G on the plus strand (G>C on the coding strand, the complement: MYH6 is on the minus strand). VCF-style: chr14-23384600-C-G. GRCh37 (hg19) VCF-style: chr14-23853809-C-G.
Other names: short protein forms E1803Q.
Identifiers: ClinVar variation 1285120 (VCV001285120.5), dbSNP rs768893054, ClinGen allele CA7114438.

ClinVar aggregate classification (germline): Uncertain significance. Review status: criteria provided, single submitter (1 of 4 stars). 3 submissions from 3 submitters: Uncertain significance (1). 2 of the submissions do not count toward it. Last evaluated 2025-08-03.

Conditions:
Cardiovascular phenotype. Identifiers: MedGen CN230736.

Allele frequency attached by ClinVar (database versions not stated): ExAC 0.00001; gnomAD exomes 0.00001.
gnomAD v4.1: 5 of 1,613,808 alleles (0.00031%); highest among the groups gnomAD compares: South Asian, 0.0011%; no homozygotes.

Submissions (3):

Ambry Genetics
Classification: Uncertain significance for Cardiovascular phenotype. Last evaluated: 2025-08-03. Review status: criteria provided, single submitter. Criteria: Ambry Variant Classification Scheme 2023. Collection method: clinical testing. Allele origin: germline.
Comment: The p.E1803Q variant (also known as c.5407G>C), located in coding exon 34 of the MYH6 gene, results from a G to C substitution at nucleotide position 5407. The glutamic acid at codon 1803 is replaced by glutamine, an amino acid with highly similar properties. This amino acid position is conserved. In addition, this alteration is predicted to be deleterious by in silico analysis. Since supporting evidence is limited at this time, the clinical significance of this alteration remains unclear.

Clinical Genetics DNA and cytogenetics Diagnostics Lab, Erasmus MC, Erasmus Medical Center
Classification: Uncertain significance. Review status: no assertion criteria provided. Collection method: clinical testing. Allele origin: germline. Affected: yes. Study: VKGL Data-share Consensus. Not counted in ClinVar's aggregate classification.

Genome Diagnostics Laboratory, University Medical Center Utrecht
Classification: Uncertain significance. Review status: no assertion criteria provided. Collection method: clinical testing. Allele origin: germline. Affected: yes. Study: VKGL Data-share Consensus. Not counted in ClinVar's aggregate classification.